The following is an entry in ClinVar:

ClinVar aggregate classification (germline): Uncertain significance (1 of 4 stars; one submission).

Conditions:
Tuberous sclerosis 1 (TSC1). Identifiers: Orphanet 805, MedGen C1854465, MONDO:0008612, OMIM 191100.

Submission:

Labcorp Genetics (formerly Invitae), Labcorp
Classification: Uncertain significance for Tuberous sclerosis 1. Last evaluated: 2024-06-04. Review status: criteria provided, single submitter. Criteria: Invitae Variant Classification Sherloc (09022015). Collection method: clinical testing. Allele origin: germline.
Comment: This sequence change replaces proline, which is neutral and non-polar, with serine, which is neutral and polar, at codon 419 of the TSC1 protein (p.Pro419Ser). This variant is not present in population databases (gnomAD no frequency). This variant has not been reported in the literature in individuals affected with TSC1-related conditions. ClinVar contains an entry for this variant (Variation ID: 1039630). Advanced modeling of protein sequence and biophysical properties (such as structural, functional, and spatial information, amino acid conservation, physicochemical variation, residue mobility, and thermodynamic stability) performed at Invitae indicates that this missense variant is not expected to disrupt TSC1 protein function with a negative predictive value of 95%. In summary, the available evidence is currently insufficient to determine the role of this variant in disease. Therefore, it has been classified as a Variant of Uncertain Significance.

NM_000368.5(TSC1):c.1255C>T (p.Pro419Ser)

Gene: TSC1 (TSC complex subunit 1; minus strand). Cytogenetic location: 9q34.13.
Variant type: single nucleotide variant.
Coding change: c.1255C>T on transcript NM_000368.5 (MANE Select); coding-DNA position 1255, C replaced by T.
Protein change: p.Pro419Ser; replaces proline 419 with serine.
Molecular consequence: missense variant.
Genome position (GRCh38, 1-based): chr9:132,910,579, G>A on the plus strand (C>T on the coding strand, the complement: TSC1 is on the minus strand). VCF-style: chr9-132910579-G-A. GRCh37 (hg19) VCF-style: chr9-135785966-G-A.
Other names: c.1252C>T, p.Pro418Ser (NM_001162426.2); c.1102C>T, p.Pro368Ser (NM_001162427.2); c.892C>T, p.Pro298Ser (NM_001362177.2); short protein forms P418S, P419S, P368S, P298S.
Identifiers: ClinVar variation 1039630 (VCV001039630.8), dbSNP rs765145057, ClinGen allele CA375366741.